The following is an entry in ClinVar:

NM_003126.4(SPTA1):c.1273C>T (p.Arg425Ter)

Gene: SPTA1 (spectrin alpha, erythrocytic 1; minus strand). Cytogenetic location: 1q23.1.
Variant type: single nucleotide variant.
Coding change: c.1273C>T on transcript NM_003126.4 (MANE Select); coding-DNA position 1273, C replaced by T.
Protein change: p.Arg425Ter; replaces arginine 425 with a stop codon.
Molecular consequence: nonsense.
Genome position (GRCh38, 1-based): chr1:158,674,406, G>A on the plus strand (C>T on the coding strand, the complement: SPTA1 is on the minus strand). VCF-style: chr1-158674406-G-A. GRCh37 (hg19) VCF-style: chr1-158644196-G-A.
Other names: p.Arg425*; short protein forms R425*.
Identifiers: ClinVar variation 1705977 (VCV001705977.5), dbSNP rs1273653963, ClinGen allele CA343015073.

ClinVar aggregate classification (germline): Pathogenic/Likely pathogenic. Review status: criteria provided, multiple submitters, no conflicts (2 of 4 stars). 2 submissions from 2 submitters: Pathogenic (1); Likely pathogenic (1). Last evaluated 2025-12-21.

gnomAD v4.1: 2 of 1,614,046 alleles (0.00012%); highest among the groups gnomAD compares: African/African-American, 0.0013%; no homozygotes.

Submissions (2):

Labcorp Genetics (formerly Invitae), Labcorp
Classification: Pathogenic. Last evaluated: 2025-12-21. Review status: criteria provided, single submitter. Criteria: Invitae Variant Classification Sherloc (09022015). Collection method: clinical testing. Allele origin: germline.
Comment: This sequence change creates a premature translational stop signal (p.Arg425*) in the SPTA1 gene. It is expected to result in an absent or disrupted protein product. Loss-of-function variants in SPTA1 are known to be pathogenic (PMID: 9192783, 18815189, 31333484, 31723846, 32266426). This variant is not present in population databases (gnomAD no frequency). This premature translational stop signal has been observed in individual(s) with hereditary spherocytosis (PMID: 31723846). ClinVar contains an entry for this variant (Variation ID: 1705977). For these reasons, this variant has been classified as Pathogenic.

Mayo Clinic Laboratories, Mayo Clinic
Classification: Likely pathogenic. Last evaluated: 2022-01-18. Review status: criteria provided, single submitter. Criteria: ACMG Guidelines, 2015. Collection method: clinical testing. Allele origin: germline.
Comment: PM2, PVS1

Literature cited by the submitters: PubMed 9192783 (cited by Labcorp Genetics (formerly Invitae), Labcorp); PubMed 18815189 (cited by Labcorp Genetics (formerly Invitae), Labcorp); PubMed 31333484 (cited by Labcorp Genetics (formerly Invitae), Labcorp); PubMed 31723846 (cited by Labcorp Genetics (formerly Invitae), Labcorp and Mayo Clinic Laboratories, Mayo Clinic); PubMed 32266426 (cited by Labcorp Genetics (formerly Invitae), Labcorp).